The following is an entry in ClinVar:

ClinVar aggregate classification (germline): not provided (0 of 4 stars; one submission).

Conditions:
Familial cold autoinflammatory syndrome 1 (FCAS1). Also called: CRYOPYRIN-ASSOCIATED PERIODIC SYNDROME 1; Familial cold inflammatory syndrome 1. Identifiers: Orphanet 47045, MedGen C4551895, MONDO:0007349, OMIM 120100.

Submission:

Unité médicale des maladies autoinflammatoires, CHRU Montpellier
No classification provided. Condition: Familial cold urticaria. Review status: no classification provided. Collection method: not provided. Allele origin: unknown.
Comment: also involved in OMIM 191900 and 607115

NM_001243133.2(NLRP3):c.1218G>C (p.Met406Ile)

Gene: NLRP3 (NLR family pyrin domain containing 3; plus strand). Cytogenetic location: 1q44.
Variant type: single nucleotide variant.
Coding change: c.1218G>C on transcript NM_001243133.2 (MANE Select); coding-DNA position 1218, G replaced by C.
Protein change: p.Met406Ile; replaces methionine 406 with isoleucine.
Molecular consequence: missense variant.
Genome position (GRCh38, 1-based): chr1:247,424,667, G>C. VCF-style: chr1-247424667-G-C. GRCh37 (hg19) VCF-style: chr1-247587969-G-C.
Other names: c.1218G>C, p.Met406Ile (NM_001079821.3, NM_001127461.3, NM_001127462.3 and 1 more transcripts); c.1224G>C, p.Met408Ile (NM_004895.5); short protein forms M408I, M406I.
Identifiers: ClinVar variation 97917 (VCV000097917.1), dbSNP rs180177486, ClinGen allele CA281149.